The following is an entry in ClinVar:

ClinVar aggregate classification (germline): Benign/Likely benign. Review status: criteria provided, multiple submitters, no conflicts (2 of 4 stars). 15 submissions from 12 submitters: Benign (2); Likely benign (12). 1 of the submissions does not count toward it. Last evaluated 2026-03-17.

Conditions:
CACNA1S-related disorder. Also called: CACNA1S-related condition.
Hypokalemic periodic paralysis, type 1. Also called: HypoPP; Hypokalemic Periodic Paralysis Type 1 (AD). Identifiers: Orphanet 681, MedGen C3714580, MONDO:0042979, OMIM 170400.
Malignant hyperthermia, susceptibility to, 5 (MHS5). Also called: CACNA1S-Related Malignant Hyperthermia Susceptibility. Identifiers: Orphanet 423, MedGen C1866077, MONDO:0011163, OMIM 601887.
Congenital myopathy 18. Also called: Myopathy, congenital, due to dihydropyridine receptor defect; DIHYDROPYRIDINE RECEPTOR CONGENITAL MYOPATHY; DHPR CONGENITAL MYOPATHY. Identifiers: MedGen C5830283, MONDO:0859514, OMIM 620246.
Thyrotoxic periodic paralysis, susceptibility to, 1 (TTPP1). Identifiers: Orphanet 79102, MedGen C2749982, MONDO:0008570, OMIM 188580.

Allele frequency attached by ClinVar (database versions not stated): 1000 Genomes Project 30x 0.00016; 1000 Genomes Project 0.00020; ExAC 0.00045; gnomAD exomes 0.00045 and 0.00098; gnomAD 0.00052 and 0.00054; TOPMed 0.00055; ESP Exome Variant Server 0.00100.
gnomAD v4.1: 1,508 of 1,614,226 alleles (0.093%); highest among the groups gnomAD compares: Non-Finnish European, 0.12%; 1 homozygote.

Submissions (15):

Women's Health and Genetics/Laboratory Corporation of America, LabCorp
Classification: Likely benign. Last evaluated: 2026-03-17. Review status: criteria provided, single submitter. Criteria: LabCorp Variant Classification Summary - May 2015. Collection method: clinical testing. Allele origin: germline.

CeGaT Center for Human Genetics Tuebingen
Classification: Likely benign. Last evaluated: 2026-03-01. Review status: criteria provided, single submitter. Criteria: CeGaT Center For Human Genetics Tuebingen Variant Classification Criteria Version 2. Collection method: clinical testing. Allele origin: germline. Affected: yes. Observed: 2 variant alleles.
Comment: CACNA1S: BP4, BP7

Labcorp Genetics (formerly Invitae), Labcorp
Classification: Likely benign for Hypokalemic periodic paralysis, type 1; Malignant hyperthermia, susceptibility to, 5. Last evaluated: 2026-01-26. Review status: criteria provided, single submitter. Criteria: Invitae Variant Classification Sherloc (09022015). Collection method: clinical testing. Allele origin: germline.

Mayo Clinic Laboratories, Mayo Clinic
Classification: Likely benign. Last evaluated: 2024-12-30. Review status: criteria provided, single submitter. Criteria: ACMG Guidelines, 2015. Collection method: clinical testing. Allele origin: germline. Observed: 2 variant alleles.
Comment: BP4, BP7

Blueprint Genetics
Classification: Likely benign. Last evaluated: 2024-11-13. Review status: criteria provided, single submitter. Criteria: ACMG Guidelines, 2015. Collection method: clinical testing. Allele origin: germline.

All of Us Research Program, National Institutes of Health
Classification: Likely benign for Malignant hyperthermia, susceptibility to, 5. Last evaluated: 2024-02-05. Review status: criteria provided, single submitter. Criteria: ACMG Guidelines, 2015. Collection method: clinical testing. Allele origin: germline. Inheritance: Autosomal dominant inheritance. Observed: 142 variant alleles, 142 heterozygotes.
Comment: This study involves interpretation of variants in research participants for the purpose of population health screening. Participant phenotype was not available at the time of variant classification. Additional details can be found in publication PMID: 35346344, PMCID: PMC8962531

Genome-Nilou Lab
Classification: Likely benign for Malignant hyperthermia, susceptibility to, 5. Last evaluated: 2023-04-11. Review status: criteria provided, single submitter. Criteria: ACMG Guidelines, 2015. Collection method: clinical testing. Allele origin: germline. Affected: no.

Genome-Nilou Lab
Classification: Likely benign for Thyrotoxic periodic paralysis, susceptibility to, 1. Last evaluated: 2023-04-11. Review status: criteria provided, single submitter. Criteria: ACMG Guidelines, 2015. Collection method: clinical testing. Allele origin: germline. Affected: no.

Genome-Nilou Lab
Classification: Likely benign for Congenital myopathy 18. Last evaluated: 2023-04-11. Review status: criteria provided, single submitter. Criteria: ACMG Guidelines, 2015. Collection method: clinical testing. Allele origin: germline. Affected: no.

Genome-Nilou Lab
Classification: Likely benign for Hypokalemic periodic paralysis, type 1. Last evaluated: 2023-04-11. Review status: criteria provided, single submitter. Criteria: ACMG Guidelines, 2015. Collection method: clinical testing. Allele origin: germline. Affected: no.

Color Diagnostics, LLC DBA Color Health
Classification: Likely benign for Malignant hyperthermia, susceptibility to, 5. Last evaluated: 2022-10-03. Review status: criteria provided, single submitter. Criteria: ACMG Guidelines, 2015. Collection method: clinical testing. Allele origin: germline.

GeneDx
Classification: Likely benign. Last evaluated: 2020-10-23. Review status: criteria provided, single submitter. Criteria: GeneDx Variant Classification Process June 2021. Collection method: clinical testing. Allele origin: germline. Affected: yes.

Illumina Laboratory Services, Illumina
Classification: Benign for Hypokalemic periodic paralysis, type 1. Last evaluated: 2018-01-13. Review status: criteria provided, single submitter. Criteria: ICSL Variant Classification Criteria 13 December 2019. Collection method: clinical testing. Allele origin: germline.
Comment: This variant was observed in the ICSL laboratory as part of a predisposition screen in an ostensibly healthy population. It had not been previously curated by ICSL or reported in the Human Gene Mutation Database (HGMD: prior to June 1st, 2018), and was therefore a candidate for classification through an automated scoring system. Utilizing variant allele frequency, disease prevalence and penetrance estimates, and inheritance mode, an automated score was calculated to assess if this variant is too frequent to cause the disease. Based on the score and internal cut-off values, a variant classified as benign is not then subjected to further curation. The score for this variant resulted in a classification of benign for this disease.

Athena Diagnostics
Classification: Benign. Last evaluated: 2017-06-30. Review status: criteria provided, single submitter. Criteria: Athena Diagnostics Criteria. Collection method: clinical testing. Allele origin: germline.

PreventionGenetics, part of Exact Sciences
Classification: Likely benign for CACNA1S-related condition. Last evaluated: 2019-05-15. Review status: no assertion criteria provided. Collection method: clinical testing. Allele origin: germline. Not counted in ClinVar's aggregate classification.
Comment: This variant is classified as likely benign based on ACMG/AMP sequence variant interpretation guidelines (Richards et al. 2015 PMID: 25741868, with internal and published modifications).

NM_000069.3(CACNA1S):c.345C>T (p.Asp115=)

Gene: CACNA1S (calcium voltage-gated channel subunit alpha1 S; minus strand). Cytogenetic location: 1q32.1.
Variant type: single nucleotide variant.
Coding change: c.345C>T on transcript NM_000069.3 (MANE Select); coding-DNA position 345, C replaced by T.
Protein change: p.Asp115=; no amino-acid change (aspartic acid 115 retained).
Molecular consequence: synonymous variant.
Genome position (GRCh38, 1-based): chr1:201,093,935, G>A on the plus strand (C>T on the coding strand, the complement: CACNA1S is on the minus strand). VCF-style: chr1-201093935-G-A. GRCh37 (hg19) VCF-style: chr1-201063063-G-A.
Other names: p.Asp115=.
Identifiers: ClinVar variation 294782 (VCV000294782.56), dbSNP rs144218745, ClinGen allele CA082563.